The following is an entry in ClinVar:

ClinVar aggregate classification (germline): Uncertain significance (1 of 4 stars; one submission).

Conditions:
Hereditary cancer-predisposing syndrome. Also called: Hereditary neoplastic syndrome; Hereditary Cancer Syndrome; Neoplastic Syndromes, Hereditary; Tumor predisposition. Identifiers: Orphanet 140162, MedGen C0027672, MeSH D009386, MONDO:0015356.

Submission:

Ambry Genetics
Classification: Uncertain significance for Hereditary cancer-predisposing syndrome. Last evaluated: 2023-05-21. Review status: criteria provided, single submitter. Criteria: Ambry Variant Classification Scheme 2023. Collection method: clinical testing. Allele origin: germline.
Comment: The p.I2573M variant (also known as c.7719T>G), located in coding exon 15 of the APC gene, results from a T to G substitution at nucleotide position 7719. The isoleucine at codon 2573 is replaced by methionine, an amino acid with highly similar properties. This amino acid position is conserved. In addition, in silico predictors for this gene do not accurately predict pathogenicity. Since supporting evidence is limited at this time, the clinical significance of this alteration remains unclear.

NM_000038.6(APC):c.7719T>G (p.Ile2573Met)

Gene: APC (APC regulator of Wnt signaling pathway; plus strand). Cytogenetic location: 5q22.2.
Variant type: single nucleotide variant.
Coding change: c.7719T>G on transcript NM_000038.6 (MANE Select); coding-DNA position 7719, T replaced by G.
Protein change: p.Ile2573Met; replaces isoleucine 2573 with methionine.
Molecular consequence: missense variant. On other transcripts: non-coding transcript variant (2).
Genome position (GRCh38, 1-based): chr5:112,843,313, T>G. VCF-style: chr5-112843313-T-G. GRCh37 (hg19) VCF-style: chr5-112179010-T-G.
Other names: c.7719T>G, p.Ile2573Met (NM_001127510.3, NM_001354895.2, NM_001407450.1); c.7665T>G, p.Ile2555Met (NM_001127511.3); c.7773T>G, p.Ile2591Met (NM_001354896.2, NM_001407447.1, NM_001407448.1 and 1 more transcripts); c.7749T>G, p.Ile2583Met (NM_001354897.2); c.7644T>G, p.Ile2548Met (NM_001354898.2); c.7635T>G, p.Ile2545Met (NM_001354899.2); c.7596T>G, p.Ile2532Met (NM_001354900.2); c.7542T>G, p.Ile2514Met (NM_001354901.2, NM_001407453.1); and 11 more; short protein forms I2444M, I2490M, I2566M, I2413M, I2545M, I2548M, I2573M, I2591M.
Identifiers: ClinVar variation 2567049 (VCV002567049.2), dbSNP rs2149992546, ClinGen allele CA16038096.